The following is an entry in ClinVar:

NM_201384.3(PLEC):c.13282G>A (p.Val4428Met)

Gene: PLEC (plectin; minus strand). Cytogenetic location: 8q24.3.
Variant type: single nucleotide variant.
Coding change: c.13282G>A on transcript NM_201384.3 (MANE Select); coding-DNA position 13282, G replaced by A.
Protein change: p.Val4428Met; replaces valine 4428 with methionine.
Molecular consequence: missense variant.
Genome position (GRCh38, 1-based): chr8:143,916,539, C>T on the plus strand (G>A on the coding strand, the complement: PLEC is on the minus strand). VCF-style: chr8-143916539-C-T. GRCh37 (hg19) VCF-style: chr8-144990707-C-T.
Other names: c.13363G>A, p.Val4455Met (NM_000445.5); c.13240G>A, p.Val4414Met (NM_201378.4); c.13216G>A, p.Val4406Met (NM_201379.3); c.13693G>A, p.Val4565Met (NM_201380.4); c.13186G>A, p.Val4396Met (NM_201381.3); c.13282G>A, p.Val4428Met (NM_201382.4); c.13294G>A, p.Val4432Met (NM_201383.3); c.13363G>A (NM_000445.3); short protein forms V4396M, V4406M, V4414M, V4428M, V4432M, V4455M, V4565M.
Identifiers: ClinVar variation 501444 (VCV000501444.15), dbSNP rs781960986, ClinGen allele CA4923852.

ClinVar aggregate classification (germline): Uncertain significance. Review status: criteria provided, multiple submitters, no conflicts (2 of 4 stars). 3 submissions from 3 submitters: Uncertain significance (3). Last evaluated 2025-11-23.

Conditions:
Epidermolysis bullosa simplex 5B, with muscular dystrophy (EBS5B). Also called: EPIDERMOLYSIS BULLOSA SIMPLEX AND LIMB-GIRDLE MUSCULAR DYSTROPHY; Epidermolysis bullosa simplex with muscular dystrophy. Identifiers: Orphanet 257, MedGen C2931072, MONDO:0009181, OMIM 226670.
Epidermolysis bullosa simplex, Ogna type (EBS5A). Also called: Pidermolysis bullosa simplex 5A, Ogna type; EPIDERMOLYSIS BULLOSA SIMPLEX 5A, OGNA TYPE. Identifiers: Orphanet 79401, MedGen C0432317, MONDO:0007555, OMIM 131950.
Autosomal recessive limb-girdle muscular dystrophy type 2Q (LGMDR17). Also called: MUSCULAR DYSTROPHY, LIMB-GIRDLE, AUTOSOMAL RECESSIVE 17. Identifiers: Orphanet 254361, MedGen C3150989, MONDO:0013390, OMIM 613723.
Epidermolysis bullosa simplex 5C, with pyloric atresia (EBS5C). Also called: Epidermolysis bullosa simplex with pyloric atresia; PLEC1-Related Epidermolysis Bullosa with Pyloric Atresia; PLEC-Related Epidermolysis Bullosa with Pyloric Atresia. Identifiers: Orphanet 158684, MedGen C2677349, MONDO:0012807, OMIM 612138.
Epidermolysis bullosa simplex with nail dystrophy (EBS5D). Identifiers: MedGen C4225309, MONDO:0014661, OMIM 616487.
Inborn genetic diseases. Identifiers: MedGen C0950123, MeSH D030342.

Allele frequency attached by ClinVar (database versions not stated): gnomAD exomes 0.00005 and 0.00021; gnomAD 0.00009; TOPMed 0.00009; ExAC 0.00015.
gnomAD v4.1: 81 of 1,611,694 alleles (0.005%); highest among the groups gnomAD compares: Admixed American, 0.082%; no homozygotes.

Submissions (3):

Labcorp Genetics (formerly Invitae), Labcorp
Classification: Uncertain significance for Autosomal recessive limb-girdle muscular dystrophy type 2Q; Epidermolysis bullosa simplex, Ogna type; Epidermolysis bullosa simplex with nail dystrophy; Epidermolysis bullosa simplex 5C, with pyloric atresia; Epidermolysis bullosa simplex 5B, with muscular dystrophy. Last evaluated: 2025-11-23. Review status: criteria provided, single submitter. Criteria: Invitae Variant Classification Sherloc (09022015). Collection method: clinical testing. Allele origin: germline.
Comment: This sequence change replaces valine, which is neutral and non-polar, with methionine, which is neutral and non-polar, at codon 4455 of the PLEC protein (p.Val4455Met). This variant is present in population databases (rs781960986, gnomAD 0.1%). This variant has not been reported in the literature in individuals affected with PLEC-related conditions. ClinVar contains an entry for this variant (Variation ID: 501444). Invitae Evidence Modeling of protein sequence and biophysical properties (such as structural, functional, and spatial information, amino acid conservation, physicochemical variation, residue mobility, and thermodynamic stability) indicates that this missense variant is not expected to disrupt PLEC protein function with a negative predictive value of 80%. In summary, the available evidence is currently insufficient to determine the role of this variant in disease. Therefore, it has been classified as a Variant of Uncertain Significance.

Ambry Genetics
Classification: Uncertain significance for Inborn genetic diseases. Last evaluated: 2023-03-07. Review status: criteria provided, single submitter. Criteria: Ambry Variant Classification Scheme 2023. Collection method: clinical testing. Allele origin: germline.

Eurofins Ntd Llc (ga)
Classification: Uncertain significance. Last evaluated: 2017-04-19. Review status: criteria provided, single submitter. Criteria: EGL Classification Definitions 2015. Collection method: clinical testing. Allele origin: germline. Observed: 1 variant allele, 1 heterozygote.